The following is an entry in ClinVar:

ClinVar aggregate classification (germline): Likely benign. Review status: criteria provided, multiple submitters, no conflicts (2 of 4 stars). 2 submissions from 2 submitters: Likely benign (2). Last evaluated 2023-08-15.

Conditions:
RYR1-related disorder. Also called: RYR1-related condition; RYR1-related disorders. Identifiers: MedGen CN239331.
Malignant hyperthermia, susceptibility to, 1 (MHS1). Also called: Anesthesia related hyperthermia; Malignant hyperpyrexia; Fulminating hyperpyrexia; Pharmacogenic myopathy; Malignant hyperthermia suceptibility 1; RYR1-Related Malignant Hyperthermia Susceptibility. Identifiers: Orphanet 423, MedGen C2930980, MONDO:0007783, OMIM 145600.

Allele frequency attached by ClinVar (database versions not stated): TOPMed 0.00002.

Submissions (2):

All of Us Research Program, National Institutes of Health
Classification: Likely benign for Malignant hyperthermia, susceptibility to, 1. Last evaluated: 2023-08-15. Review status: criteria provided, single submitter. Criteria: ACMG Guidelines, 2015. Collection method: clinical testing. Allele origin: germline. Inheritance: Autosomal dominant inheritance. Observed: 1 variant allele, 1 heterozygote.
Comment: This study involves interpretation of variants in research participants for the purpose of population health screening. Participant phenotype was not available at the time of variant classification. Additional details can be found in publication PMID: 35346344, PMCID: PMC8962531

Labcorp Genetics (formerly Invitae), Labcorp
Classification: Likely benign for RYR1-related disorder. Last evaluated: 2023-08-14. Review status: criteria provided, single submitter. Criteria: Invitae Variant Classification Sherloc (09022015). Collection method: clinical testing. Allele origin: germline.

NM_000540.3(RYR1):c.7908C>T (p.Phe2636=)

Gene: RYR1 (ryanodine receptor 1; plus strand). Cytogenetic location: 19q13.2.
Variant type: single nucleotide variant.
Coding change: c.7908C>T on transcript NM_000540.3 (MANE Select); coding-DNA position 7908, C replaced by T.
Protein change: p.Phe2636=; no amino-acid change (phenylalanine 2636 retained).
Molecular consequence: synonymous variant.
Genome position (GRCh38, 1-based): chr19:38,502,952, C>T. VCF-style: chr19-38502952-C-T. GRCh37 (hg19) VCF-style: chr19-38993592-C-T.
Other names: c.7908C>T, p.Phe2636= (NM_001042723.2).
Identifiers: ClinVar variation 697815 (VCV000697815.10), dbSNP rs1461283755, ClinGen allele CA507354095.